The following is an entry in ClinVar:

NM_018897.3(DNAH7):c.9683A>T (p.Gln3228Leu)

Gene: DNAH7 (dynein axonemal heavy chain 7; minus strand). Cytogenetic location: 2q32.3.
Variant type: single nucleotide variant.
Coding change: c.9683A>T on transcript NM_018897.3 (MANE Select); coding-DNA position 9683, A replaced by T.
Protein change: p.Gln3228Leu; replaces glutamine 3228 with leucine.
Molecular consequence: missense variant.
Genome position (GRCh38, 1-based): chr2:195,816,706, T>A on the plus strand (A>T on the coding strand, the complement: DNAH7 is on the minus strand). VCF-style: chr2-195816706-T-A. GRCh37 (hg19) VCF-style: chr2-196681430-T-A.
Other names: short protein forms Q3228L.
Identifiers: ClinVar variation 3342906 (VCV003342906.1).

ClinVar aggregate classification (germline): Uncertain significance (1 of 4 stars; one submission).

Submission:

GeneDx
Classification: Uncertain significance. Last evaluated: 2023-03-21. Review status: criteria provided, single submitter. Criteria: GeneDx Variant Classification Process June 2021. Collection method: clinical testing. Allele origin: germline. Affected: yes.
Comment: Not observed at significant frequency in large population cohorts (gnomAD); In silico analysis supports that this missense variant has a deleterious effect on protein structure/function; Has not been previously published as pathogenic or benign to our knowledge; Variants in candidate genes are classified as variants of uncertain significance in accordance with ACMG guidelines (Richards et al., 2015)